The following is an entry in ClinVar:

ClinVar aggregate classification (germline): Uncertain significance (1 of 4 stars; one submission).

Conditions:
Hereditary cancer-predisposing syndrome. Also called: Hereditary Cancer Syndrome; Hereditary neoplastic syndrome; Neoplastic Syndromes, Hereditary; Tumor predisposition. Identifiers: Orphanet 140162, MedGen C0027672, MeSH D009386, MONDO:0015356.

Submission:

Ambry Genetics
Classification: Uncertain significance for Hereditary cancer-predisposing syndrome. Last evaluated: 2021-03-12. Review status: criteria provided, single submitter. Criteria: Ambry Variant Classification Scheme 2023. Collection method: clinical testing. Allele origin: germline.
Comment: The p.D207H variant (also known as c.619G>C), located in coding exon 4 of the CHEK2 gene, results from a G to C substitution at nucleotide position 619. The aspartic acid at codon 207 is replaced by histidine, an amino acid with similar properties. This amino acid position is highly conserved in available vertebrate species. In addition, the in silico prediction for this alteration is inconclusive. Since supporting evidence is limited at this time, the clinical significance of this alteration remains unclear.

NM_007194.4(CHEK2):c.619G>C (p.Asp207His)

Gene: CHEK2 (checkpoint kinase 2; minus strand). Cytogenetic location: 22q12.1.
Variant type: single nucleotide variant.
Coding change: c.619G>C on transcript NM_007194.4 (MANE Select); coding-DNA position 619, G replaced by C.
Protein change: p.Asp207His; replaces aspartic acid 207 with histidine.
Molecular consequence: missense variant. On other transcripts: 5 prime UTR variant (2), intron variant (1).
Genome position (GRCh38, 1-based): chr22:28,719,459, C>G on the plus strand (G>C on the coding strand, the complement: CHEK2 is on the minus strand). VCF-style: chr22-28719459-C-G. GRCh37 (hg19) VCF-style: chr22-29115447-C-G.
Other names: c.748G>C, p.Asp250His (NM_001005735.3, NM_001438294.1); c.-45G>C (NM_001257387.3, NM_001437942.1); c.712G>C, p.Asp238His (NM_001438293.1, NM_001438295.1); c.619G>C, p.Asp207His (NM_145862.3); c.482+5427G>C (NM_001349956.3); short protein forms D207H, D250H, D238H.
Identifiers: ClinVar variation 1752156 (VCV001752156.2), dbSNP rs776728729, ClinGen allele CA411105100.
Genomic context (GRCh38, chr22:28,719,459, plus strand): 5'-CAAGAGTTTTTGACATGATGTATTCATCTCTTAATGCCTTAGGATAAACTGACTGATCAT[C>G]TACAGTCAGATCAAAAAAGACAAAAACTAAGGAAGAAAAGAGTAGAAATGGGTTTCATTA-3'
Protein context (NP_009125.1, residues 197-217): KVFVFFDLTV[Asp207His]DQSVYPKALR